The following is an entry in ClinVar:

ClinVar aggregate classification (germline): Uncertain significance. Review status: criteria provided, multiple submitters, no conflicts (2 of 4 stars). 3 submissions from 3 submitters: Uncertain significance (3). Last evaluated 2026-01-21.

Conditions:
ATM-related disorder. Also called: ATM-related disorders; ATM-related condition.
Ataxia-telangiectasia syndrome (AT). Also called: Ataxia-telangiectasia; Cerebello-oculocutaneous telangiectasia; Immunodeficiency with ataxia telangiectasia; LOUIS-BAR SYNDROME; Ataxia-telangiectasia, complementation group E; Ataxia telangiectasia (A-T). Identifiers: Orphanet 100, MedGen C0004135, MONDO:0008840, OMIM 208900.
Hereditary cancer-predisposing syndrome. Also called: Tumor predisposition; Hereditary neoplastic syndrome; Hereditary Cancer Syndrome; Neoplastic Syndromes, Hereditary. Identifiers: Orphanet 140162, MedGen C0027672, MeSH D009386, MONDO:0015356.

Allele frequency attached by ClinVar (database versions not stated): gnomAD exomes 0.00001 and below 0.00001; ExAC 0.00001.

Submissions (3):

Ambry Genetics
Classification: Uncertain significance for Hereditary cancer-predisposing syndrome. Last evaluated: 2026-01-21. Review status: criteria provided, single submitter. Criteria: Ambry Variant Classification Scheme 2023. Collection method: clinical testing. Allele origin: germline.
Comment: The p.E574Q variant (also known as c.1720G>C), located in coding exon 10 of the ATM gene, results from a G to C substitution at nucleotide position 1720. The glutamic acid at codon 574 is replaced by glutamine, an amino acid with highly similar properties. In an assay testing ATM function, this variant showed a functionally abnormal result (Lee KS et al. Cell, 2025 Sep;188:5081-5099.e27). This amino acid position is highly conserved in available vertebrate species. In addition, the in silico prediction for this alteration is inconclusive. Based on the available evidence, the clinical significance of this variant remains unclear.

PreventionGenetics, part of Exact Sciences
Classification: Uncertain significance for ATM-related condition. Last evaluated: 2025-01-27. Review status: criteria provided, single submitter. Criteria: ACMG Guidelines, 2015. Collection method: clinical testing. Allele origin: germline.
Comment: The ATM c.1720G>C variant is predicted to result in the amino acid substitution p.Glu574Gln. To our knowledge, this variant has not been reported in the literature. This variant is reported in 0.00088% of alleles in individuals of European (Non-Finnish) descent in gnomAD. At this time, the clinical significance of this variant is uncertain due to the absence of conclusive functional and genetic evidence.

Labcorp Genetics (formerly Invitae), Labcorp
Classification: Uncertain significance for Ataxia-telangiectasia syndrome. Last evaluated: 2019-01-19. Review status: criteria provided, single submitter. Criteria: Invitae Variant Classification Sherloc (09022015). Collection method: clinical testing. Allele origin: germline.
Comment: This variant has not been reported in the literature in individuals with ATM-related conditions. In summary, the available evidence is currently insufficient to determine the role of this variant in disease. Therefore, it has been classified as a Variant of Uncertain Significance. Algorithms developed to predict the effect of missense changes on protein structure and function (SIFT, PolyPhen-2, Align-GVGD) all suggest that this variant is likely to be tolerated, but these predictions have not been confirmed by published functional studies and their clinical significance is uncertain. This variant is present in population databases (rs770911276, ExAC 0.02%). This sequence change replaces glutamic acid with glutamine at codon 574 of the ATM protein (p.Glu574Gln). The glutamic acid residue is moderately conserved and there is a small physicochemical difference between glutamic acid and glutamine.

Literature cited by the submitters: PubMed 40580951 (cited by Ambry Genetics).

NM_000051.4(ATM):c.1720G>C (p.Glu574Gln)

Gene: ATM (ATM serine/threonine kinase; plus strand). Cytogenetic location: 11q22.3.
Variant type: single nucleotide variant.
Coding change: c.1720G>C on transcript NM_000051.4 (MANE Select); coding-DNA position 1720, G replaced by C.
Protein change: p.Glu574Gln; replaces glutamic acid 574 with glutamine.
Molecular consequence: missense variant.
Genome position (GRCh38, 1-based): chr11:108,251,949, G>C. VCF-style: chr11-108251949-G-C. GRCh37 (hg19) VCF-style: chr11-108122676-G-C.
Other names: c.1720G>C, p.Glu574Gln (NM_001351834.2); short protein forms E574Q.
Identifiers: ClinVar variation 661684 (VCV000661684.17), dbSNP rs770911276, ClinGen allele CA6264861.